The following is an entry in ClinVar:

ClinVar aggregate classification (germline): Conflicting classifications of pathogenicity. Review status: criteria provided, conflicting classifications (1 of 4 stars). 4 submissions from 4 submitters: Likely pathogenic (1); Uncertain significance (2). 1 of the submissions does not count toward it. Last evaluated 2025-08-11.

Conditions:
Glycine encephalopathy. Also called: Nonketotic hyperglycinemia; Non-ketotic hyperglycinemia. Identifiers: Orphanet 407, MedGen C0751748, MONDO:0011612, HP:0008288.

Submissions (4):

Labcorp Genetics (formerly Invitae), Labcorp
Classification: Likely pathogenic for Glycine encephalopathy. Last evaluated: 2025-08-11. Review status: criteria provided, single submitter. Criteria: Invitae Variant Classification Sherloc (09022015). Collection method: clinical testing. Allele origin: germline.
Comment: This sequence change replaces arginine, which is basic and polar, with proline, which is neutral and non-polar, at codon 461 of the GLDC protein (p.Arg461Pro). This variant is not present in population databases (gnomAD no frequency). This variant has not been reported in the literature in individuals affected with GLDC-related conditions. ClinVar contains an entry for this variant (Variation ID: 3600895). Invitae Evidence Modeling of protein sequence and biophysical properties (such as structural, functional, and spatial information, amino acid conservation, physicochemical variation, residue mobility, and thermodynamic stability) indicates that this missense variant is expected to disrupt GLDC protein function with a positive predictive value of 95%. This variant disrupts the p.Arg461 amino acid residue in GLDC. Other variant(s) that disrupt this residue have been determined to be pathogenic (PMID: 16601880, 26179960). This suggests that this residue is clinically significant, and that variants that disrupt this residue are likely to be disease-causing. In summary, the currently available evidence indicates that the variant is pathogenic, but additional data are needed to prove that conclusively. Therefore, this variant has been classified as Likely Pathogenic.

Women's Health and Genetics/Laboratory Corporation of America, LabCorp
Classification: Uncertain significance. Last evaluated: 2025-05-22. Review status: criteria provided, single submitter. Criteria: LabCorp Variant Classification Summary - May 2015. Collection method: clinical testing. Allele origin: germline.
Comment: Variant summary: GLDC c.1382G>C (p.Arg461Pro) results in a non-conservative amino acid change in the encoded protein sequence. Algorithms developed to predict the effect of missense changes on protein structure and function all suggest that this variant is likely to be disruptive. The variant was absent in 251428 control chromosomes. The available data on variant occurrences in the general population are insufficient to allow any conclusion about variant significance. To our knowledge, no occurrence of c.1382G>C in individuals affected with Glycine Encephalopathy (Non-Ketotic Hyperglycinemia) and no experimental evidence demonstrating its impact on protein function have been reported. ClinVar contains an entry for this variant (Variation ID: 3600895). Based on the evidence outlined above, the variant was classified as uncertain significance.

GeneDx
Classification: Uncertain significance. Last evaluated: 2024-07-24. Review status: criteria provided, single submitter. Criteria: GeneDx Variant Classification Process June 2021. Collection method: clinical testing. Allele origin: germline. Affected: yes.
Comment: Not observed at significant frequency in large population cohorts (gnomAD); In silico analysis supports that this missense variant has a deleterious effect on protein structure/function; Has not been previously published as pathogenic or benign to our knowledge

Natera, Inc.
Classification: Uncertain significance for Non-ketotic hyperglycinemia. Last evaluated: 2025-03-23. Review status: no assertion criteria provided. Collection method: clinical testing. Allele origin: germline. Not counted in ClinVar's aggregate classification.

Literature cited by the submitters: PubMed 16601880 (cited by Labcorp Genetics (formerly Invitae), Labcorp); PubMed 26179960 (cited by Labcorp Genetics (formerly Invitae), Labcorp).

NM_000170.3(GLDC):c.1382G>C (p.Arg461Pro)

Gene: GLDC (glycine decarboxylase; minus strand). Cytogenetic location: 9p24.1.
Variant type: single nucleotide variant.
Coding change: c.1382G>C on transcript NM_000170.3 (MANE Select); coding-DNA position 1382, G replaced by C.
Protein change: p.Arg461Pro; replaces arginine 461 with proline.
Molecular consequence: missense variant.
Genome position (GRCh38, 1-based): chr9:6,592,870, C>G on the plus strand (G>C on the coding strand, the complement: GLDC is on the minus strand). VCF-style: chr9-6592870-C-G. GRCh37 (hg19) VCF-style: chr9-6592870-C-G.
Other names: short protein forms R461P.
Identifiers: ClinVar variation 3600895 (VCV003600895.4).